The following is an entry in ClinVar:

NM_000045.4(ARG1):c.348T>A (p.Pro116=)

Genes: ARG1 (arginase 1; plus strand), MED23 (mediator complex subunit 23; minus strand). Cytogenetic location: 6q23.2.
Variant type: single nucleotide variant.
Coding change: c.348T>A on transcript NM_000045.4 (MANE Select); coding-DNA position 348, T replaced by A.
Protein change: p.Pro116=; no amino-acid change (proline 116 retained).
Molecular consequence: synonymous variant. On other transcripts: non-coding transcript variant (1), intron variant (3).
Genome position (GRCh38, 1-based): chr6:131,581,261, T>A. VCF-style: chr6-131581261-T-A. GRCh37 (hg19) VCF-style: chr6-131902401-T-A.
Other names: c.372T>A, p.Pro124= (NM_001244438.2); c.306-1799T>A (NM_001369020.1); c.4077+6448A>T (NM_001270521.2); c.4095+6448A>T (NM_015979.4).
Identifiers: ClinVar variation 4873172 (VCV004873172.2).

ClinVar aggregate classification (germline): Likely benign (1 of 4 stars; one submission).

gnomAD v4.1: 1 of 1,613,940 alleles (0.000062%); highest among the groups gnomAD compares: Non-Finnish European, 0.000085%; no homozygotes.

Submission:

CeGaT Center for Human Genetics Tuebingen
Classification: Likely benign. Last evaluated: 2026-05-01. Review status: criteria provided, single submitter. Criteria: CeGaT Center For Human Genetics Tuebingen Variant Classification Criteria Version 2. Collection method: clinical testing. Allele origin: germline. Affected: yes. Observed: 1 variant allele.
Comment: ARG1: BP4, BP7